The following is an entry in ClinVar:

ClinVar aggregate classification (germline): Likely benign (0 of 4 stars; one submission).

Conditions:
HIRA-related disorder.

Allele frequency attached by ClinVar (database versions not stated): ExAC 0.00001; gnomAD 0.00001; TOPMed 0.00001; gnomAD exomes 0.00004.
gnomAD v4.1: 64 of 1,613,560 alleles (0.004%); highest among the groups gnomAD compares: Non-Finnish European, 0.0048%; no homozygotes.

Submission:

PreventionGenetics, part of Exact Sciences
Classification: Likely benign for HIRA-related condition. Last evaluated: 2019-09-17. Review status: no assertion criteria provided. Collection method: clinical testing. Allele origin: germline.
Comment: This variant is classified as likely benign based on ACMG/AMP sequence variant interpretation guidelines (Richards et al. 2015 PMID: 25741868, with internal and published modifications).

NM_003325.4(HIRA):c.2532G>A (p.Ala844=)

Gene: HIRA (histone cell cycle regulator; minus strand). Cytogenetic location: 22q11.21.
Variant type: single nucleotide variant.
Coding change: c.2532G>A on transcript NM_003325.4 (MANE Select); coding-DNA position 2532, G replaced by A.
Protein change: p.Ala844=; no amino-acid change (alanine 844 retained).
Molecular consequence: synonymous variant.
Genome position (GRCh38, 1-based): chr22:19,355,789, C>T on the plus strand (G>A on the coding strand, the complement: HIRA is on the minus strand). VCF-style: chr22-19355789-C-T. GRCh37 (hg19) VCF-style: chr22-19343312-C-T.
Identifiers: ClinVar variation 3040171 (VCV003040171.2), dbSNP rs782354381, ClinGen allele CA10099349.